The following is an entry in ClinVar:

NM_020338.4(ZMIZ1):c.2396T>C (p.Met799Thr)

Genes: ZMIZ1 (zinc finger MIZ-type containing 1; plus strand), LOC126860975 (CDK7 strongly-dependent group 2 enhancer GRCh37_chr10:81064163-81065362; plus strand). Cytogenetic location: 10q22.3.
Variant type: single nucleotide variant.
Coding change: c.2396T>C on transcript NM_020338.4 (MANE Select); coding-DNA position 2396, T replaced by C.
Protein change: p.Met799Thr; replaces methionine 799 with threonine.
Molecular consequence: missense variant.
Genome position (GRCh38, 1-based): chr10:79,305,574, T>C. VCF-style: chr10-79305574-T-C. GRCh37 (hg19) VCF-style: chr10-81065331-T-C.
Other names: short protein forms M799T.
Identifiers: ClinVar variation 2663441 (VCV002663441.1), dbSNP rs1854629104, ClinGen allele CA377342277.

ClinVar aggregate classification (germline): Uncertain significance (1 of 4 stars; one submission).

Allele frequency attached by ClinVar (database versions not stated): TOPMed below 0.00001.
gnomAD v4.1: 4 of 1,613,952 alleles (0.00025%); highest among the groups gnomAD compares: Non-Finnish European, 0.00034%; no homozygotes.

Submission:

GeneDx
Classification: Uncertain significance. Last evaluated: 2023-05-02. Review status: criteria provided, single submitter. Criteria: GeneDx Variant Classification Process June 2021. Collection method: clinical testing. Allele origin: germline. Affected: yes.
Comment: Not observed at significant frequency in large population cohorts (gnomAD); In silico analysis supports that this missense variant has a deleterious effect on protein structure/function; Has not been previously published as pathogenic or benign to our knowledge